The following is an entry in ClinVar:

ClinVar aggregate classification (germline): Uncertain significance (1 of 4 stars; one submission).

Conditions:
MTOR-related disorder. Also called: MTOR-related condition.

Submission:

PreventionGenetics, part of Exact Sciences
Classification: Uncertain significance for MTOR-related condition. Last evaluated: 2023-03-20. Review status: criteria provided, single submitter. Criteria: ACMG Guidelines, 2015. Collection method: clinical testing. Allele origin: germline.
Comment: The MTOR c.3481C>T variant is predicted to result in premature protein termination (p.Arg1161*). To our knowledge, this variant has not been reported in the literature or in a large population database, indicating this variant is rare. Few chain-terminating variants in MTOR are reported and loss of function has not been conclusively established as a mechanism for MTOR-related disorders. At this time, the clinical significance of this variant is uncertain due to the absence of conclusive functional and genetic evidence.

NM_004958.4(MTOR):c.3481C>T (p.Arg1161Ter)

Gene: MTOR (mechanistic target of rapamycin kinase; minus strand). Cytogenetic location: 1p36.22.
Variant type: single nucleotide variant.
Coding change: c.3481C>T on transcript NM_004958.4 (MANE Select); coding-DNA position 3481, C replaced by T.
Protein change: p.Arg1161Ter; replaces arginine 1161 with a stop codon.
Molecular consequence: nonsense.
Genome position (GRCh38, 1-based): chr1:11,212,392, G>A on the plus strand (C>T on the coding strand, the complement: MTOR is on the minus strand). VCF-style: chr1-11212392-G-A. GRCh37 (hg19) VCF-style: chr1-11272449-G-A.
Other names: c.3481C>T, p.Arg1161Ter (NM_001386500.1); c.2233C>T, p.Arg745Ter (NM_001386501.1); short protein forms R1161*, R745*.
Identifiers: ClinVar variation 2633833 (VCV002633833.1), dbSNP rs202197441, ClinGen allele CA338372994.